The following is an entry in ClinVar:

ClinVar aggregate classification (germline): Uncertain significance. Review status: criteria provided, multiple submitters, no conflicts (2 of 4 stars). 3 submissions from 3 submitters: Uncertain significance (3). Last evaluated 2024-08-27.

Conditions:
Inborn genetic diseases. Identifiers: MedGen C0950123, MeSH D030342.

Allele frequency attached by ClinVar (database versions not stated): gnomAD 0.00002 and 0.00003; ExAC 0.00006.
gnomAD v4.1: 30 of 1,589,818 alleles (0.0019%); highest among the groups gnomAD compares: Non-Finnish European, 0.0024%; no homozygotes.

Submissions (3):

ARUP Laboratories, Molecular Genetics and Genomics, ARUP Laboratories
Classification: Uncertain significance. Last evaluated: 2024-08-27. Review status: criteria provided, single submitter. Criteria: ARUP Molecular Germline Variant Investigation Process 2024. Collection method: clinical testing. Allele origin: germline.
Comment: The TCF3 c.205T>C; p.Phe69Leu variant (rs764741799), to our knowledge, is not reported in the medical literature but is reported in ClinVar (Variation ID: 1501595). This variant is found in the non-Finnish European population with an allele frequency of 0.004% (4/107,048 alleles) in the Genome Aggregation Database (v2.1.1). Computational analyses are uncertain whether this variant is neutral or deleterious (REVEL: 0.182). Given the lack of clinical and functional data, the significance of this variant is uncertain at this time.

Ambry Genetics
Classification: Uncertain significance for Inborn genetic diseases. Last evaluated: 2024-05-24. Review status: criteria provided, single submitter. Criteria: Ambry Variant Classification Scheme 2023. Collection method: clinical testing. Allele origin: germline.

Labcorp Genetics (formerly Invitae), Labcorp
Classification: Uncertain significance. Last evaluated: 2023-01-15. Review status: criteria provided, single submitter. Criteria: Invitae Variant Classification Sherloc (09022015). Collection method: clinical testing. Allele origin: germline.
Comment: In summary, the available evidence is currently insufficient to determine the role of this variant in disease. Therefore, it has been classified as a Variant of Uncertain Significance. Advanced modeling of protein sequence and biophysical properties (such as structural, functional, and spatial information, amino acid conservation, physicochemical variation, residue mobility, and thermodynamic stability) performed at Invitae indicates that this missense variant is not expected to disrupt TCF3 protein function. ClinVar contains an entry for this variant (Variation ID: 1501595). This variant has not been reported in the literature in individuals affected with TCF3-related conditions. This variant is present in population databases (rs764741799, gnomAD 0.004%). This sequence change replaces phenylalanine, which is neutral and non-polar, with leucine, which is neutral and non-polar, at codon 69 of the TCF3 protein (p.Phe69Leu).

NM_003200.5(TCF3):c.205T>C (p.Phe69Leu)

Gene: TCF3 (transcription factor 3; minus strand). Cytogenetic location: 19p13.3.
Variant type: single nucleotide variant.
Coding change: c.205T>C on transcript NM_003200.5 (MANE Select); coding-DNA position 205, T replaced by C.
Protein change: p.Phe69Leu; replaces phenylalanine 69 with leucine.
Molecular consequence: missense variant.
Genome position (GRCh38, 1-based): chr19:1,632,346, A>G on the plus strand (T>C on the coding strand, the complement: TCF3 is on the minus strand). VCF-style: chr19-1632346-A-G. GRCh37 (hg19) VCF-style: chr19-1632345-A-G.
Other names: c.205T>C, p.Phe69Leu (NM_001136139.4, NM_001351778.2, NM_001351779.2); c.205T>C (NM_003200.3); short protein forms F69L.
Identifiers: ClinVar variation 1501595 (VCV001501595.8), dbSNP rs764741799, ClinGen allele CA9050552.